The following is an entry in ClinVar:

NM_015425.6(POLR1A):c.3395G>A (p.Arg1132Gln)

Gene: POLR1A (RNA polymerase I subunit A; minus strand). Cytogenetic location: 2p11.2.
Variant type: single nucleotide variant.
Coding change: c.3395G>A on transcript NM_015425.6 (MANE Select); coding-DNA position 3395, G replaced by A.
Protein change: p.Arg1132Gln; replaces arginine 1132 with glutamine.
Molecular consequence: missense variant.
Genome position (GRCh38, 1-based): chr2:86,042,066, C>T on the plus strand (G>A on the coding strand, the complement: POLR1A is on the minus strand). VCF-style: chr2-86042066-C-T. GRCh37 (hg19) VCF-style: chr2-86269189-C-T.
Other names: short protein forms R1132Q.
Identifiers: ClinVar variation 2065752 (VCV002065752.3), dbSNP rs200206334, ClinGen allele CA1745775.

ClinVar aggregate classification (germline): Uncertain significance (1 of 4 stars; one submission).

Allele frequency attached by ClinVar (database versions not stated): 1000 Genomes Project 0.00020; ESP Exome Variant Server 0.00025; 1000 Genomes Project 30x 0.00031.
gnomAD v4.1: 120 of 1,613,134 alleles (0.0074%); highest among the groups gnomAD compares: African/African-American, 0.067%; 1 homozygote.

Submission:

Labcorp Genetics (formerly Invitae), Labcorp
Classification: Uncertain significance. Last evaluated: 2025-07-10. Review status: criteria provided, single submitter. Criteria: Invitae Variant Classification Sherloc (09022015). Collection method: clinical testing. Allele origin: germline.
Comment: This sequence change replaces arginine, which is basic and polar, with glutamine, which is neutral and polar, at codon 1132 of the POLR1A protein (p.Arg1132Gln). This variant is present in population databases (rs200206334, gnomAD 0.06%). This variant has not been reported in the literature in individuals affected with POLR1A-related conditions. ClinVar contains an entry for this variant (Variation ID: 2065752). Invitae Evidence Modeling of protein sequence and biophysical properties (such as structural, functional, and spatial information, amino acid conservation, physicochemical variation, residue mobility, and thermodynamic stability) indicates that this missense variant is not expected to disrupt POLR1A protein function with a negative predictive value of 80%. In summary, the available evidence is currently insufficient to determine the role of this variant in disease. Therefore, it has been classified as a Variant of Uncertain Significance.